The following is an entry in ClinVar:

NM_000297.4(PKD2):c.103_104delinsAA (p.Ala35Asn)

Genes: PKD2 (polycystin 2, transient receptor potential cation channel; plus strand), LOC129992813 (ATAC-STARR-seq lymphoblastoid silent region 15559; plus strand). Cytogenetic location: 4q22.1.
Variant type: Indel.
Coding change: c.103_104delinsAA on transcript NM_000297.4 (MANE Select); coding-DNA positions 103 to 104, GC replaced by AA.
Protein change: p.Ala35Asn; replaces alanine 35 with asparagine.
Molecular consequence: missense variant. On other transcripts: non-coding transcript variant (1).
Genome position (GRCh38, 1-based): chr4:88,007,836-88,007,837, GC replaced by AA. VCF-style: chr4-88007836-GC-AA. GRCh37 (hg19) VCF-style: chr4-88928988-GC-AA.
Other names: c.103_104delinsAA (NM_000297.3); c.103_104delGCinsAA (NM_000297.3); short protein forms A35N.
Identifiers: ClinVar variation 1036884 (VCV001036884.15), dbSNP rs1726226920, ClinGen allele CA1474562189.

ClinVar aggregate classification (germline): Conflicting classifications of pathogenicity. Review status: criteria provided, conflicting classifications (1 of 4 stars). 5 submissions from 5 submitters: Uncertain significance (4); Likely benign (1). Last evaluated 2026-08-01.

Conditions:
PKD2-related disorder. Also called: PKD2-related condition.
Inborn genetic diseases. Identifiers: MedGen C0950123, MeSH D030342.
Polycystic kidney disease 2 (PKD2). Also called: POLYCYSTIC KIDNEY DISEASE, ADULT, TYPE II; Polycystic Kidney Disease 2, Autosomal Dominant; POLYCYSTIC KIDNEY DISEASE 2 WITH OR WITHOUT POLYCYSTIC LIVER DISEASE. Identifiers: MedGen C2751306, MONDO:0013131, OMIM 613095.
Autosomal dominant polycystic kidney disease. Identifiers: Orphanet 730, MedGen C0085413, MONDO:0004691.

Submissions (5):

PreventionGenetics, part of Exact Sciences
Classification: Uncertain significance for PKD2-related condition. Last evaluated: 2026-08-01. Review status: criteria provided, single submitter. Criteria: ACMG Guidelines, 2015. Collection method: clinical testing. Allele origin: germline.
Comment: The PKD2 c.103_104delinsAA variant is predicted to result in an in-frame deletion and insertion. This variant was reported in an individual with glomerulocystic kidney disease (Saha et al. 2023. PubMed ID: 37464296). This variant has been reported, as two separate nucleotide changes, on 4 alleles in the gnomAD database. At this time, the clinical significance of this variant is uncertain due to the absence of conclusive functional and genetic evidence.

Labcorp Genetics (formerly Invitae), Labcorp
Classification: Uncertain significance for Autosomal dominant polycystic kidney disease. Last evaluated: 2025-12-22. Review status: criteria provided, single submitter. Criteria: Invitae Variant Classification Sherloc (09022015). Collection method: clinical testing. Allele origin: germline.
Comment: This sequence change replaces alanine, which is neutral and non-polar, with asparagine, which is neutral and polar, at codon 35 of the PKD2 protein (p.Ala35Asn). This variant is present in population databases (no rsID available, gnomAD 0.01%). This missense change has been observed in individual(s) with clinical features of PKD2-related conditions (PMID: 37464296; internal data). ClinVar contains an entry for this variant (Variation ID: 1036884). An algorithm developed to predict the effect of missense changes on protein structure and function (PolyPhen-2) suggests that this variant is likely to be disruptive. In summary, the available evidence is currently insufficient to determine the role of this variant in disease. Therefore, it has been classified as a Variant of Uncertain Significance.

Fulgent Genetics
Classification: Likely benign for Polycystic kidney disease 2. Last evaluated: 2024-03-23. Review status: criteria provided, single submitter. Criteria: ACMG Guidelines, 2015. Collection method: clinical testing. Allele origin: germline.

Blueprint Genetics
Classification: Uncertain significance. Last evaluated: 2024-03-21. Review status: criteria provided, single submitter. Criteria: ACMG Guidelines, 2015. Collection method: clinical testing. Allele origin: germline.

Ambry Genetics
Classification: Uncertain significance for Inborn genetic diseases. Last evaluated: 2023-12-11. Review status: criteria provided, single submitter. Criteria: Ambry Variant Classification Scheme 2023. Collection method: clinical testing. Allele origin: germline.
Comment: The c.103_104delGCinsAA (p.A35N) alteration, located in exon 1 (coding exon 1) of the PKD2 gene, consists of an in-frame substitution of 2 nucleotides from position 103 to 104, causing the alanine (A) at amino acid position 35 to be replaced by an asparagine (N). Based on insufficient or conflicting evidence, the clinical significance of this alteration remains unclear.

Literature cited by the submitters: PubMed 37464296 (cited by Labcorp Genetics (formerly Invitae), Labcorp and Ambry Genetics).